The following is an entry in ClinVar:

ClinVar aggregate classification (germline): Likely pathogenic (1 of 4 stars; one submission).

Conditions:
Infantile GM1 gangliosidosis. Also called: Gangliosidosis, Generalized GM1, Type 1; GM1 gangliosidosis type 1; GM1-gangliosidosis, type I; Gangliosidosis, generalized GM1, infantile form; GLB1 deficiency. Identifiers: Orphanet 354, Orphanet 79255, MedGen C0268271, MONDO:0009260, OMIM 230500.

Submission:

Neuberg Centre For Genomic Medicine, NCGM
Classification: Likely pathogenic for Infantile GM1 gangliosidosis. Review status: criteria provided, single submitter. Criteria: ACMG Guidelines, 2015. Collection method: clinical testing. Allele origin: germline. Inheritance: Autosomal recessive inheritance. Affected: yes.
Comment: The observed frameshift c.515_516del (p.Leu172ProfsTer14) variant in GLB1 gene has not been previously reported as pathogenic variant nor as a benign variant, to our knowledge. The p.Leu172ProfsTer14 variant is absent in gnomAD Exomes. This variant has not been submitted to the ClinVar database. This variant causes a frameshift starting with codon Leucine 172, changes this amino acid to Proline residue, and creates a premature Stop codon at position 14 of the new reading frame, denoted p.Leu172ProfsTer14. This variant is predicted to cause loss of normal protein function through protein truncation. Loss of function variants in GLB1 gene have been previously reported to be disease causing (Santamaria et al., 2006). For these reasons, this variant has been classified as Likely Pathogenic.

NM_000404.4(GLB1):c.515_516del (p.Leu172fs)

Gene: GLB1 (galactosidase beta 1; minus strand). Cytogenetic location: 3p22.3.
Variant type: Microsatellite.
Coding change: c.515_516del on transcript NM_000404.4 (MANE Select); coding-DNA positions 515 to 516, 2 bases deleted (TC; older notation c.515_516delTC).
Protein change: p.Leu172fs; shifts the reading frame from leucine 172.
Molecular consequence: frameshift variant.
Genome position (GRCh38, 1-based): chr3:33,065,499-33,065,500, GA deleted on the plus strand (TC on the coding strand, the reverse complement: GLB1 is on the minus strand); deleting any 2 consecutive bases within chr3:33,065,499-33,065,503 gives the same sequence; the c. name uses the placement nearest the transcript's 3' end. VCF-style (leftmost placement, unchanged base first): chr3-33065498-GGA-G. GRCh37 (hg19) VCF-style: chr3-33106990-GGA-G.
Other names: c.425_426del, p.Leu142fs (NM_001079811.3); c.303_304del, p.Pro102fs (NM_001135602.3); c.659_660del, p.Leu220fs (NM_001317040.2); c.515_516del, p.Leu172fs (NM_001393580.1); short protein forms L142fs, L172fs, L220fs, P102fs.
Identifiers: ClinVar variation 3362831 (VCV003362831.3).